The following is an entry in ClinVar:

ClinVar aggregate classification (germline): not provided (0 of 4 stars; one submission).

Allele frequency attached by ClinVar (database versions not stated): gnomAD 0.00003; gnomAD exomes 0.00004 and 0.00007; TOPMed 0.00004; ExAC 0.00005.
gnomAD v4.1: 106 of 1,589,078 alleles (0.0067%); highest among the groups gnomAD compares: Middle Eastern, 0.034%; no homozygotes.

Submission:

ITMI
No classification provided. Condition: AllHighlyPenetrant. Last evaluated: 2013-09-19. Review status: no classification provided. Collection method: reference population. Allele origin: germline.
Comment: Please see associated publication for description of ethnicities

Literature cited by the submitters: PubMed 24728327.

NM_003400.4(XPO1):c.1385-49A>G

Gene: XPO1 (exportin 1; minus strand). Cytogenetic location: 2p15.
Variant type: single nucleotide variant.
Coding change: c.1385-49A>G on transcript NM_003400.4 (MANE Select); 49 bases into the intron before coding-DNA position 1385, A replaced by G.
Molecular consequence: intron variant.
Genome position (GRCh38, 1-based): chr2:61,492,797, T>C on the plus strand (A>G on the coding strand, the complement: XPO1 is on the minus strand). VCF-style: chr2-61492797-T-C. GRCh37 (hg19) VCF-style: chr2-61719932-T-C.
Identifiers: ClinVar variation 133433 (VCV000133433.1), dbSNP rs587778011, ClinGen allele CA156511.
Genomic context (GRCh38, chr2:61,492,797, plus strand): 5'-GAGTAAGATAAACTACAAAGAAAAACATGGTTTCAAATGCAAATAATGAGCAGAATTTTA[T>C]TGATGAGTAACAATACATTTAGAAAATATTTAGAAACTACAAGTACATTTCCTAAAATGT-3'